The following is an entry in ClinVar:

NM_182931.3(KMT2E):c.5305A>G (p.Thr1769Ala)

Gene: KMT2E (lysine methyltransferase 2E (inactive); plus strand). Cytogenetic location: 7q22.3.
Variant type: single nucleotide variant.
Coding change: c.5305A>G on transcript NM_182931.3 (MANE Select); coding-DNA position 5305, A replaced by G.
Protein change: p.Thr1769Ala; replaces threonine 1769 with alanine.
Molecular consequence: missense variant.
Genome position (GRCh38, 1-based): chr7:105,113,061, A>G. VCF-style: chr7-105113061-A-G. GRCh37 (hg19) VCF-style: chr7-104753508-A-G.
Other names: c.5179A>G, p.Thr1727Ala (NM_001410908.1); c.5305A>G, p.Thr1769Ala (NM_018682.4); short protein forms T1727A, T1769A.
Identifiers: ClinVar variation 2841138 (VCV002841138.3), dbSNP rs1799397891, ClinGen allele CA368794918.

ClinVar aggregate classification (germline): Uncertain significance (1 of 4 stars; one submission).

Allele frequency attached by ClinVar (database versions not stated): gnomAD exomes below 0.00001; TOPMed below 0.00001; gnomAD 0.00001.
gnomAD v4.1: 3 of 1,613,838 alleles (0.00019%); highest among the groups gnomAD compares: Admixed American, 0.0017%; no homozygotes.

Submission:

Labcorp Genetics (formerly Invitae), Labcorp
Classification: Uncertain significance. Last evaluated: 2025-05-01. Review status: criteria provided, single submitter. Criteria: Invitae Variant Classification Sherloc (09022015). Collection method: clinical testing. Allele origin: germline.
Comment: This sequence change replaces threonine, which is neutral and polar, with alanine, which is neutral and non-polar, at codon 1769 of the KMT2E protein (p.Thr1769Ala). This variant is not present in population databases (gnomAD no frequency). This variant has not been reported in the literature in individuals affected with KMT2E-related conditions. ClinVar contains an entry for this variant (Variation ID: 2841138). An algorithm developed to predict the effect of missense changes on protein structure and function (PolyPhen-2) suggests that this variant is likely to be tolerated. In summary, the available evidence is currently insufficient to determine the role of this variant in disease. Therefore, it has been classified as a Variant of Uncertain Significance.